The following is an entry in ClinVar:

NM_000020.3(ACVRL1):c.130_143del (p.Pro44fs)

Gene: ACVRL1 (activin A receptor like type 1; plus strand). Cytogenetic location: 12q13.13.
Variant type: Deletion.
Coding change: c.130_143del on transcript NM_000020.3 (MANE Select); coding-DNA positions 130 to 143, 14 bases deleted (CCTACCTGCCGGGG).
Protein change: p.Pro44fs; shifts the reading frame from proline 44.
Molecular consequence: frameshift variant.
Genome position (GRCh38, 1-based): chr12:51,913,167-51,913,180, CCTACCTGCCGGGG deleted; deleting any 14 consecutive bases within chr12:51,913,163-51,913,180 gives the same sequence; the c. name uses the placement nearest the transcript's 3' end. VCF-style (leftmost placement, unchanged base first): chr12-51913162-AGGGGCCTACCTGCC-A. GRCh37 (hg19) VCF-style: chr12-52306946-AGGGGCCTACCTGCC-A.
Other names: c.130_143del, p.Pro44fs (NM_001077401.2); short protein forms P44fs.
Identifiers: ClinVar variation 1359265 (VCV001359265.10), dbSNP rs2139064592, ClinGen allele CA2573148773.
Genomic context (GRCh38, chr12:51,913,162, plus strand): 5'-ACCCTGTGAAGCCGTCTCGGGGCCCGCTGGTGACCTGCACGTGTGAGAGCCCACATTGCA[AGGGGCCTACCTGCC>A]GGGGGGCCTGGTGCACAGTAGTGCTGGTGCGGGAGGAGGGGAGGCACCCCCAGGAACATC-3'

ClinVar aggregate classification (germline): Pathogenic. Review status: criteria provided, multiple submitters, no conflicts (2 of 4 stars). 3 submissions from 3 submitters: Pathogenic (3). Last evaluated 2026-02-27.

Conditions:
ACVRL1-related disorder. Also called: ACVRL1-related disorders; ACVRL1-related condition.
Cardiovascular phenotype. Identifiers: MedGen CN230736.
Telangiectasia, hereditary hemorrhagic, type 2 (HHT2). Also called: Telangiectasia, hereditary hemorrhagic, type II; ACVRL1-Related Hereditary Hemorrhagic Telangiectasia. Identifiers: Orphanet 774, MedGen C1838163, MONDO:0010880, OMIM 600376. Disease mechanism: loss of function.

Submissions (3):

PreventionGenetics, part of Exact Sciences
Classification: Pathogenic for ACVRL1-related condition. Last evaluated: 2026-02-27. Review status: criteria provided, single submitter. Criteria: ACMG Guidelines, 2015. Collection method: clinical testing. Allele origin: germline.
Comment: The ACVRL1 c.130_143del14 variant is predicted to result in a frameshift and premature protein termination (p.Pro44Glyfs*120). To our knowledge, this variant has not been reported in the literature or in a large population database (gnomAD), indicating this variant is rare. This variant is interpreted as pathogenic in ClinVar (Variation ID: 1359265). Frameshift variants in ACVRL1 are expected to be pathogenic. This variant is interpreted as pathogenic.

Labcorp Genetics (formerly Invitae), Labcorp
Classification: Pathogenic for Telangiectasia, hereditary hemorrhagic, type 2. Last evaluated: 2025-03-10. Review status: criteria provided, single submitter. Criteria: Invitae Variant Classification Sherloc (09022015). Collection method: clinical testing. Allele origin: germline.
Comment: This sequence change creates a premature translational stop signal (p.Pro44Glyfs*120) in the ACVRL1 gene. It is expected to result in an absent or disrupted protein product. Loss-of-function variants in ACVRL1 are known to be pathogenic (PMID: 15879500). This variant is not present in population databases (gnomAD no frequency). This variant has not been reported in the literature in individuals affected with ACVRL1-related conditions. ClinVar contains an entry for this variant (Variation ID: 1359265). For these reasons, this variant has been classified as Pathogenic.

Ambry Genetics
Classification: Pathogenic for Cardiovascular phenotype. Last evaluated: 2024-10-16. Review status: criteria provided, single submitter. Criteria: Ambry Variant Classification Scheme 2023. Collection method: clinical testing. Allele origin: germline.
Comment: The c.130_143del14 pathogenic mutation, located in coding exon 2 of the ACVRL1 gene, results from a deletion of 14 nucleotides at nucleotide positions 130 to 143, causing a translational frameshift with a predicted alternate stop codon (p.P44Gfs*120). This variant is considered to be rare based on population cohorts in the Genome Aggregation Database (gnomAD). This alteration is expected to result in loss of function by premature protein truncation or nonsense-mediated mRNA decay. As such, this alteration is interpreted as a disease-causing mutation.

Literature cited by the submitters: PubMed 15879500 (cited by Labcorp Genetics (formerly Invitae), Labcorp).